The following is an entry in ClinVar:

NM_001369.3(DNAH5):c.3050C>T (p.Ala1017Val)

Genes: DNAH5 (dynein axonemal heavy chain 5; minus strand), DNAH5-AS1 (DNAH5 antisense RNA 1; plus strand). Cytogenetic location: 5p15.2.
Variant type: single nucleotide variant.
Coding change: c.3050C>T on transcript NM_001369.3 (MANE Select); coding-DNA position 3050, C replaced by T.
Protein change: p.Ala1017Val; replaces alanine 1017 with valine.
Molecular consequence: missense variant.
Genome position (GRCh38, 1-based): chr5:13,883,028, G>A on the plus strand (C>T on the coding strand, the complement: DNAH5 is on the minus strand). VCF-style: chr5-13883028-G-A. GRCh37 (hg19) VCF-style: chr5-13883137-G-A.
Other names: short protein forms A1017V.
Identifiers: ClinVar variation 1403257 (VCV001403257.6), dbSNP rs2151938659, ClinGen allele CA359193911.

ClinVar aggregate classification (germline): Uncertain significance (1 of 4 stars; one submission).

Conditions:
Primary ciliary dyskinesia. Also called: Ciliary dyskinesia. Identifiers: Orphanet 244, MedGen C0008780, MONDO:0016575, HP:0012265.

Submission:

Labcorp Genetics (formerly Invitae), Labcorp
Classification: Uncertain significance for Primary ciliary dyskinesia. Last evaluated: 2022-07-05. Review status: criteria provided, single submitter. Criteria: Invitae Variant Classification Sherloc (09022015). Collection method: clinical testing. Allele origin: germline.
Comment: In summary, the available evidence is currently insufficient to determine the role of this variant in disease. Therefore, it has been classified as a Variant of Uncertain Significance. Advanced modeling of protein sequence and biophysical properties (such as structural, functional, and spatial information, amino acid conservation, physicochemical variation, residue mobility, and thermodynamic stability) performed at Invitae indicates that this missense variant is not expected to disrupt DNAH5 protein function. ClinVar contains an entry for this variant (Variation ID: 1403257). This variant has not been reported in the literature in individuals affected with DNAH5-related conditions. This variant is not present in population databases (gnomAD no frequency). This sequence change replaces alanine, which is neutral and non-polar, with valine, which is neutral and non-polar, at codon 1017 of the DNAH5 protein (p.Ala1017Val).